The following is an entry in ClinVar:

NM_001292034.3(TAB2):c.1213C>T (p.Pro405Ser)

Genes: TAB2 (TGF-beta activated kinase 1 (MAP3K7) binding protein 2; plus strand), LOC126859827 (BRD4-independent group 4 enhancer GRCh37_chr6:149699707-149700906; plus strand). Cytogenetic location: 6q25.1.
Variant type: single nucleotide variant.
Coding change: c.1213C>T on transcript NM_001292034.3 (MANE Select); coding-DNA position 1213, C replaced by T.
Protein change: p.Pro405Ser; replaces proline 405 with serine.
Molecular consequence: missense variant.
Genome position (GRCh38, 1-based): chr6:149,379,128, C>T. VCF-style: chr6-149379128-C-T. GRCh37 (hg19) VCF-style: chr6-149700264-C-T.
Other names: c.1117C>T, p.Pro373Ser (NM_001292035.3); c.1213C>T, p.Pro405Ser (NM_001369506.1, NM_015093.6); short protein forms P405S, P373S.
Identifiers: ClinVar variation 4766796 (VCV004766796.1).

ClinVar aggregate classification (germline): Uncertain significance (1 of 4 stars; one submission).

Submission:

Labcorp Genetics (formerly Invitae), Labcorp
Classification: Uncertain significance. Last evaluated: 2025-04-29. Review status: criteria provided, single submitter. Criteria: Invitae Variant Classification Sherloc (09022015). Collection method: clinical testing. Allele origin: germline.
Comment: This sequence change replaces proline, which is neutral and non-polar, with serine, which is neutral and polar, at codon 405 of the TAB2 protein (p.Pro405Ser). This variant is not present in population databases (gnomAD no frequency). This variant has not been reported in the literature in individuals affected with TAB2-related conditions. Invitae Evidence Modeling of protein sequence and biophysical properties (such as structural, functional, and spatial information, amino acid conservation, physicochemical variation, residue mobility, and thermodynamic stability) indicates that this missense variant is not expected to disrupt TAB2 protein function with a negative predictive value of 80%. In summary, the available evidence is currently insufficient to determine the role of this variant in disease. Therefore, it has been classified as a Variant of Uncertain Significance.